The following is an entry in ClinVar:

NM_138454.2(NXNL1):c.326+7A>C

Gene: NXNL1 (nucleoredoxin like 1; minus strand). Cytogenetic location: 19p13.11.
Variant type: single nucleotide variant.
Coding change: c.326+7A>C on transcript NM_138454.2 (MANE Select); 7 bases into the intron after coding-DNA position 326, A replaced by C.
Molecular consequence: intron variant.
Genome position (GRCh38, 1-based): chr19:17,460,537, T>G on the plus strand (A>C on the coding strand, the complement: NXNL1 is on the minus strand). VCF-style: chr19-17460537-T-G. GRCh37 (hg19) VCF-style: chr19-17571346-T-G.
Identifiers: ClinVar variation 2649541 (VCV002649541.24), dbSNP rs55984737, ClinGen allele CA9294939.
Genomic context (GRCh38, chr19:17,460,537, plus strand): 5'-AGAATGGATGCTTCACTTTCAGCGAACATGCCCCCTCCTCCAGGAAGCCCTCCCTGCCCC[T>G]CCTCACCTCCTCAGATCATCCTCAAAGGGCAGGAAAAGCCATTTCTTTGGCATGTCCTTG-3'

ClinVar aggregate classification (germline): Likely benign (1 of 4 stars; one submission).

Allele frequency attached by ClinVar (database versions not stated): ExAC 0.00715; 1000 Genomes Project 30x 0.00265; 1000 Genomes Project 0.00280; ESP Exome Variant Server 0.00469; TOPMed 0.00484; gnomAD 0.00625.
gnomAD v4.1: 9,528 of 1,599,722 alleles (0.6%); highest among the groups gnomAD compares: Middle Eastern, 1.9%; 57 homozygotes.

Submission:

CeGaT Center for Human Genetics Tuebingen
Classification: Likely benign. Last evaluated: 2026-06-01. Review status: criteria provided, single submitter. Criteria: CeGaT Center For Human Genetics Tuebingen Variant Classification Criteria Version 2. Collection method: clinical testing. Allele origin: germline. Affected: yes. Observed: 4 variant alleles.
Comment: NXNL1: BP4, BS2